The following is an entry in ClinVar:

NM_001854.4(COL11A1):c.488+6T>C

Gene: COL11A1 (collagen type XI alpha 1 chain; minus strand). Cytogenetic location: 1p21.1.
Variant type: single nucleotide variant.
Coding change: c.488+6T>C on transcript NM_001854.4 (MANE Select); 6 bases into the intron after coding-DNA position 488, T replaced by C.
Molecular consequence: intron variant.
Genome position (GRCh38, 1-based): chr1:103,078,652, A>G on the plus strand (T>C on the coding strand, the complement: COL11A1 is on the minus strand). VCF-style: chr1-103078652-A-G. GRCh37 (hg19) VCF-style: chr1-103544208-A-G.
Other names: c.488+6T>C (NM_001190709.2, NM_080629.3, NM_080630.4).
Identifiers: ClinVar variation 2920842 (VCV002920842.2), dbSNP rs1672164817, ClinGen allele CA1005149029.

ClinVar aggregate classification (germline): Uncertain significance. Review status: criteria provided, multiple submitters, no conflicts (2 of 4 stars). 2 submissions from 2 submitters: Uncertain significance (2). Last evaluated 2026-02-25.

Allele frequency attached by ClinVar (database versions not stated): gnomAD exomes below 0.00001; gnomAD 0.00001.
gnomAD v4.1: 2 of 1,611,286 alleles (0.00012%); highest among the groups gnomAD compares: Non-Finnish European, 0.00017%; no homozygotes.

Submissions (2):

GeneDx
Classification: Uncertain significance. Last evaluated: 2026-02-25. Review status: criteria provided, single submitter. Criteria: GeneDx Variant Classification Process June 2021. Collection method: clinical testing. Allele origin: germline.
Comment: Not observed at significant frequency in large population cohorts (gnomAD); In silico analysis suggests that this variant does not alter splicing; Has not been previously published as pathogenic or benign to our knowledge

ARUP Laboratories, Molecular Genetics and Genomics, ARUP Laboratories
Classification: Uncertain significance. Last evaluated: 2023-01-03. Review status: criteria provided, single submitter. Criteria: ARUP Molecular Germline Variant Investigation Process 2024. Collection method: clinical testing. Allele origin: germline.
Comment: The COL11A1 c.488+6T>C variant (rs1672164817), to our knowledge, is not reported in the medical literature or gene specific databases. This variant is also absent from the Genome Aggregation Database, indicating it is not a common polymorphism. This is an intronic variant in a highly conserved nucleotide, and computational analyses (Alamut Visual Plus v.1.5.1) predict that this variant may impact splicing by weakening the nearby canonical donor splice site. However, without functional studies the effect on splicing is unknown. Due to limited information, the clinical significance of this variant is uncertain at this time.